The following is an entry in ClinVar:

NM_080732.4(EGLN2):c.1162C>G (p.Gln388Glu)

Genes: EGLN2 (egl-9 family hypoxia inducible factor 2; plus strand), RAB4B-EGLN2 (RAB4B-EGLN2 readthrough (NMD candidate); plus strand). Cytogenetic location: 19q13.2.
Variant type: single nucleotide variant.
Coding change: c.1162C>G on transcript NM_080732.4 (MANE Select); coding-DNA position 1162, C replaced by G.
Protein change: p.Gln388Glu; replaces glutamine 388 with glutamic acid.
Molecular consequence: missense variant. On other transcripts: non-coding transcript variant (1).
Genome position (GRCh38, 1-based): chr19:40,807,545, C>G. VCF-style: chr19-40807545-C-G. GRCh37 (hg19) VCF-style: chr19-41313450-C-G.
Other names: c.1162C>G, p.Gln388Glu (NM_053046.4); short protein forms Q388E.
Identifiers: ClinVar variation 1737167 (VCV001737167.3), dbSNP rs771677442, ClinGen allele CA9452447.
Genomic context (GRCh38, chr19:40,807,545, plus strand): 5'-TACGCCATCACTGTCTGGTATTTTGATGCCAAGGAGCGGGCAGCAGCCAAAGACAAGTAT[C>G]AGCTAGGTACCTGCTTCCCTCCCTTCAGTCCTTCCTATTCTGTGGGCCCTCTTGGGCCTG-3'
Protein context (NP_542770.2, residues 378-398): KERAAAKDKY[Gln388Glu]LASGQKGVQV

ClinVar aggregate classification (germline): Uncertain significance (1 of 4 stars; one submission).

Allele frequency attached by ClinVar (database versions not stated): ExAC 0.00001.
gnomAD v4.1: 6 of 1,614,186 alleles (0.00037%); highest among the groups gnomAD compares: Non-Finnish European, 0.00051%; no homozygotes.

Submission:

Ambry Genetics
Classification: Uncertain significance. Last evaluated: 2024-11-16. Review status: criteria provided, single submitter. Criteria: Ambry Variant Classification Scheme 2023. Collection method: clinical testing. Allele origin: germline.
Comment: The p.Q388E variant (also known as c.1162C>G), located in coding exon 4 of the EGLN2 gene, results from a C to G substitution at nucleotide position 1162. The glutamine at codon 388 is replaced by glutamic acid, an amino acid with highly similar properties. This amino acid position is conserved. In addition, this alteration is predicted to be tolerated by in silico analysis. Since supporting evidence is limited at this time, the clinical significance of this alteration remains unclear.